The following is an entry in ClinVar:

NM_001288705.3(CSF1R):c.2179A>G (p.Arg727Gly)

Gene: CSF1R (colony stimulating factor 1 receptor; minus strand). Cytogenetic location: 5q32.
Variant type: single nucleotide variant.
Coding change: c.2179A>G on transcript NM_001288705.3 (MANE Select); coding-DNA position 2179, A replaced by G.
Protein change: p.Arg727Gly; replaces arginine 727 with glycine.
Molecular consequence: missense variant. On other transcripts: non-coding transcript variant (2).
Genome position (GRCh38, 1-based): chr5:150,057,546, T>C on the plus strand (A>G on the coding strand, the complement: CSF1R is on the minus strand). VCF-style: chr5-150057546-T-C. GRCh37 (hg19) VCF-style: chr5-149437109-T-C.
Other names: c.2179A>G, p.Arg727Gly (NM_001349736.2, NM_001375320.1, NM_005211.4); c.1735A>G, p.Arg579Gly (NM_001375321.1); short protein forms R579G, R727G.
Identifiers: ClinVar variation 1368621 (VCV001368621.9), dbSNP rs1757281675, ClinGen allele CA361760640.

ClinVar aggregate classification (germline): Uncertain significance. Review status: criteria provided, multiple submitters, no conflicts (2 of 4 stars). 2 submissions from 2 submitters: Uncertain significance (2). Last evaluated 2022-08-16.

Conditions:
Leukoencephalopathy, diffuse hereditary, with spheroids 1 (HDLS1). Also called: DEMENTIA, FAMILIAL, NEUMANN TYPE; SUBCORTICAL GLIOSIS OF NEUMANN; CSF1R-related adult-onset leukoencephalopathy with axonal spheroids and pigmented glia. Identifiers: Orphanet 313808, MedGen C5561929, MONDO:0800027, OMIM 221820.

Allele frequency attached by ClinVar (database versions not stated): gnomAD 0.00001.
gnomAD v4.1: 1 of 1,614,070 alleles (0.000062%); highest among the groups gnomAD compares: Admixed American, 0.0017%; no homozygotes.

Submissions (2):

Labcorp Genetics (formerly Invitae), Labcorp
Classification: Uncertain significance. Last evaluated: 2022-08-16. Review status: criteria provided, single submitter. Criteria: Invitae Variant Classification Sherloc (09022015). Collection method: clinical testing. Allele origin: germline.
Comment: In summary, the available evidence is currently insufficient to determine the role of this variant in disease. Therefore, it has been classified as a Variant of Uncertain Significance. Advanced modeling of protein sequence and biophysical properties (such as structural, functional, and spatial information, amino acid conservation, physicochemical variation, residue mobility, and thermodynamic stability) performed at Invitae indicates that this missense variant is not expected to disrupt CSF1R protein function. ClinVar contains an entry for this variant (Variation ID: 1368621). This variant has not been reported in the literature in individuals affected with CSF1R-related conditions. This variant is not present in population databases (gnomAD no frequency). This sequence change replaces arginine, which is basic and polar, with glycine, which is neutral and non-polar, at codon 727 of the CSF1R protein (p.Arg727Gly).

Genetics and Molecular Pathology, SA Pathology
Classification: Uncertain significance for Leukoencephalopathy, diffuse hereditary, with spheroids 1. Last evaluated: 2021-07-12. Review status: criteria provided, single submitter. Criteria: ACMG Guidelines, 2015. Collection method: clinical testing. Allele origin: germline. Affected: yes.